The following is an entry in ClinVar:

ClinVar aggregate classification (germline): Uncertain significance (1 of 4 stars; one submission).

Allele frequency attached by ClinVar (database versions not stated): TOPMed below 0.00001; gnomAD exomes 0.00001.

Submission:

CeGaT Center for Human Genetics Tuebingen
Classification: Uncertain significance. Last evaluated: 2023-12-01. Review status: criteria provided, single submitter. Criteria: CeGaT Center For Human Genetics Tuebingen Variant Classification Criteria Version 2. Collection method: clinical testing. Allele origin: germline. Affected: yes. Observed: 1 variant allele.
Comment: DNMT3A: PM2

NM_022552.5(DNMT3A):c.1058C>T (p.Ala353Val)

Gene: DNMT3A (DNA methyltransferase 3 alpha; minus strand). Cytogenetic location: 2p23.3.
Variant type: single nucleotide variant.
Coding change: c.1058C>T on transcript NM_022552.5 (MANE Select); coding-DNA position 1058, C replaced by T.
Protein change: p.Ala353Val; replaces alanine 353 with valine.
Molecular consequence: missense variant. On other transcripts: non-coding transcript variant (1).
Genome position (GRCh38, 1-based): chr2:25,247,115, G>A on the plus strand (C>T on the coding strand, the complement: DNMT3A is on the minus strand). VCF-style: chr2-25247115-G-A. GRCh37 (hg19) VCF-style: chr2-25469984-G-A.
Other names: c.602C>T, p.Ala201Val (NM_001320893.1); c.389C>T, p.Ala130Val (NM_001375819.1); c.491C>T, p.Ala164Val (NM_153759.3); c.1058C>T, p.Ala353Val (NM_175629.2); short protein forms A130V, A164V, A201V, A353V.
Identifiers: ClinVar variation 3025964 (VCV003025964.22), dbSNP rs1326972729, ClinGen allele CA346074096.